The following is an entry in ClinVar:

NM_018052.5(VAC14):c.2026A>G (p.Ile676Val)

Gene: VAC14 (VAC14 component of PIKFYVE complex; minus strand). Cytogenetic location: 16q22.1.
Variant type: single nucleotide variant.
Coding change: c.2026A>G on transcript NM_018052.5 (MANE Select); coding-DNA position 2026, A replaced by G.
Protein change: p.Ile676Val; replaces isoleucine 676 with valine.
Molecular consequence: missense variant.
Genome position (GRCh38, 1-based): chr16:70,695,553, T>C on the plus strand (A>G on the coding strand, the complement: VAC14 is on the minus strand). VCF-style: chr16-70695553-T-C. GRCh37 (hg19) VCF-style: chr16-70729456-T-C.
Other names: c.1324A>G, p.Ile442Val (NM_001351157.2); short protein forms I442V, I676V.
Identifiers: ClinVar variation 1496446 (VCV001496446.6), dbSNP rs2142991039, ClinGen allele CA396589124.

ClinVar aggregate classification (germline): Uncertain significance (1 of 4 stars; one submission).

Submission:

Labcorp Genetics (formerly Invitae), Labcorp
Classification: Uncertain significance. Last evaluated: 2021-10-13. Review status: criteria provided, single submitter. Criteria: Invitae Variant Classification Sherloc (09022015). Collection method: clinical testing. Allele origin: germline.
Comment: In summary, the available evidence is currently insufficient to determine the role of this variant in disease. Therefore, it has been classified as a Variant of Uncertain Significance. Algorithms developed to predict the effect of missense changes on protein structure and function are either unavailable or do not agree on the potential impact of this missense change (SIFT: "Tolerated"; PolyPhen-2: "Possibly Damaging"; Align-GVGD: "Class C0"). This variant has not been reported in the literature in individuals affected with VAC14-related conditions. This variant is not present in population databases (ExAC no frequency). This sequence change replaces isoleucine with valine at codon 676 of the VAC14 protein (p.Ile676Val). The isoleucine residue is highly conserved and there is a small physicochemical difference between isoleucine and valine.